The following is an entry in ClinVar:

ClinVar aggregate classification (germline): Uncertain significance (1 of 4 stars; one submission).

Allele frequency attached by ClinVar (database versions not stated): ExAC 0.00002; gnomAD 0.00002.
gnomAD v4.1: 22 of 1,588,388 alleles (0.0014%); highest among the groups gnomAD compares: Admixed American, 0.0068%; no homozygotes.

Submission:

Labcorp Genetics (formerly Invitae), Labcorp
Classification: Uncertain significance. Last evaluated: 2024-01-13. Review status: criteria provided, single submitter. Criteria: Invitae Variant Classification Sherloc (09022015). Collection method: clinical testing. Allele origin: germline.
Comment: This sequence change falls in intron 6 of the ADGRA3 gene. It does not directly change the encoded amino acid sequence of the ADGRA3 protein. This variant is present in population databases (rs759746954, gnomAD 0.009%). This variant has not been reported in the literature in individuals affected with ADGRA3-related conditions. ClinVar contains an entry for this variant (Variation ID: 1979179). Algorithms developed to predict the effect of sequence changes on RNA splicing suggest that this variant may disrupt the consensus splice site. In summary, the available evidence is currently insufficient to determine the role of this variant in disease. Therefore, it has been classified as a Variant of Uncertain Significance.

NM_145290.4(ADGRA3):c.707-10T>G

Gene: ADGRA3 (adhesion G protein-coupled receptor A3; minus strand). Cytogenetic location: 4p15.2.
Variant type: single nucleotide variant.
Coding change: c.707-10T>G on transcript NM_145290.4 (MANE Select); 10 bases into the intron before coding-DNA position 707, T replaced by G.
Molecular consequence: intron variant.
Genome position (GRCh38, 1-based): chr4:22,442,873, A>C on the plus strand (T>G on the coding strand, the complement: ADGRA3 is on the minus strand). VCF-style: chr4-22442873-A-C. GRCh37 (hg19) VCF-style: chr4-22444496-A-C.
Identifiers: ClinVar variation 1979179 (VCV001979179.4), dbSNP rs759746954, ClinGen allele CA2874150.